The following is an entry in ClinVar:

NM_000038.6(APC):c.4037C>A (p.Ser1346Ter)

Gene: APC (APC regulator of Wnt signaling pathway; plus strand). Cytogenetic location: 5q22.2.
Variant type: single nucleotide variant.
Coding change: c.4037C>A on transcript NM_000038.6 (MANE Select); coding-DNA position 4037, C replaced by A.
Protein change: p.Ser1346Ter; replaces serine 1346 with a stop codon.
Molecular consequence: nonsense.
Genome position (GRCh38, 1-based): chr5:112,839,631, C>A. VCF-style: chr5-112839631-C-A. GRCh37 (hg19) VCF-style: chr5-112175328-C-A.
Other names: c.4037C>A, p.Ser1346Ter (NM_001127510.3, NM_001354895.2, NM_001407450.1); c.3983C>A, p.Ser1328Ter (NM_001127511.3); c.4091C>A, p.Ser1364Ter (NM_001354896.2, NM_001407447.1, NM_001407448.1 and 1 more transcripts); c.4067C>A, p.Ser1356Ter (NM_001354897.2); c.3962C>A, p.Ser1321Ter (NM_001354898.2); c.3953C>A, p.Ser1318Ter (NM_001354899.2); c.3914C>A, p.Ser1305Ter (NM_001354900.2); c.3860C>A, p.Ser1287Ter (NM_001354901.2, NM_001407453.1); and 11 more; short protein forms S1220*, S1245*, S1255*, S1321*, S1328*, S1339*, S1356*, S1374*.
Identifiers: ClinVar variation 1737245 (VCV001737245.2), dbSNP rs2149904709, ClinGen allele CA16030181.
Genomic context (GRCh38, chr5:112,839,631, plus strand): 5'-TGTCACAGCACCCTAGAACCAAATCCAGCAGACTGCAGGGTTCTAGTTTATCTTCAGAAT[C>A]AGCCAGGCACAAAGCTGTTGAATTTTCTTCAGGAGCGAAATCTCCCTCCAAAAGTGGTGC-3'

ClinVar aggregate classification (germline): Pathogenic (1 of 4 stars; one submission).

Conditions:
Hereditary cancer-predisposing syndrome. Also called: Neoplastic Syndromes, Hereditary; Tumor predisposition; Hereditary Cancer Syndrome; Hereditary neoplastic syndrome. Identifiers: Orphanet 140162, MedGen C0027672, MeSH D009386, MONDO:0015356.

Submission:

Ambry Genetics
Classification: Pathogenic for Hereditary cancer-predisposing syndrome. Last evaluated: 2022-02-08. Review status: criteria provided, single submitter. Criteria: Ambry Variant Classification Scheme 2023. Collection method: clinical testing. Allele origin: germline.
Comment: The p.S1346* pathogenic mutation (also known as c.4037C>A), located in coding exon 15 of the APC gene, results from a C to A substitution at nucleotide position 4037. This changes the amino acid from a serine to a stop codon within coding exon 15. This alteration occurs at the 3' terminus of theAPC gene, is not expected to trigger nonsense-mediated mRNA decay, and impacts the last 1498 amino acids of the protein. However, premature stop codons are typically deleterious in nature and the impacted region is critical for protein function and a significant portion of the protein is affected (Ambry internal data). Other truncating alterations downstream have been observed in individuals with a personal and/or family history that is consistent with APC-related disease (Ambry internal data and/or literature if available). This mutation was detected in 1/53 South Asian FAP families (Khan N et al. Sci Rep, 2017 05;7:2214). This variant is considered to be rare based on population cohorts in the Genome Aggregation Database (gnomAD). Based on the supporting evidence, this alteration is interpreted as a disease-causing mutation.

Literature cited by the submitters: PubMed 28533537.